The following is an entry in ClinVar:

GRCh37/hg19 15q13.2(chr15:30919735-31077833)x1

Genes: ARHGAP11B (Rho GTPase activating protein 11B), GOLGA8H (golgin A8 family member H). Cytogenetic location: 15q13.2.
Variant type: copy number loss.
Change: copy number 1 (one copy instead of two) of chr15:30,919,735-31,077,833 (158.1 kb, GRCh37 coordinates, 1-based), cytogenetic band 15q13.2.
Identifiers: ClinVar variation 5016495 (VCV005016495.1).

ClinVar aggregate classification (germline): Likely benign (1 of 4 stars; one submission).

Submission:

Pediatrics, Fukuoka University
Classification: Likely benign. Last evaluated: 2026-10-02. Review status: criteria provided, single submitter. Criteria: ACMG/ClinGen CNV Guidelines, 2019. Collection method: provider interpretation. Allele origin: maternal. Observed: 1 variant allele.
Comment: Classified according to the ACMG/ClinGen CNV guidelines (PMID:31690835).